The following is an entry in ClinVar:

ClinVar aggregate classification (germline): Benign. Review status: criteria provided, single submitter (1 of 4 stars). 2 submissions from 2 submitters: Benign (1). 1 of the submissions does not count toward it. Last evaluated 2026-09-01.

Conditions:
ZFHX3-related disorder. Also called: ZFHX3-related condition.

Submissions (2):

CeGaT Center for Human Genetics Tuebingen
Classification: Benign. Last evaluated: 2026-09-01. Review status: criteria provided, single submitter. Criteria: CeGaT Center For Human Genetics Tuebingen Variant Classification Criteria Version 2. Collection method: clinical testing. Allele origin: germline. Affected: yes. Observed: 20 variant alleles.
Comment: ZFHX3: BS1, BS2

PreventionGenetics, part of Exact Sciences
Classification: Benign for ZFHX3-related condition. Last evaluated: 2019-07-08. Review status: no assertion criteria provided. Collection method: clinical testing. Allele origin: germline. Not counted in ClinVar's aggregate classification.
Comment: This variant is classified as benign based on ACMG/AMP sequence variant interpretation guidelines (Richards et al. 2015 PMID: 25741868, with internal and published modifications).

NM_006885.4(ZFHX3):c.10533_10535del (p.Gly3512del)

Genes: ZFHX3 (zinc finger homeobox 3; minus strand), ZFHX3-AS1 (ZFHX3 antisense RNA 1; plus strand). Cytogenetic location: 16q22.2.
Variant type: Deletion.
Coding change: c.10533_10535del on transcript NM_006885.4 (MANE Select); coding-DNA positions 10533 to 10535, 3 bases deleted (TGG; older notation c.10533_10535delTGG).
Protein change: p.Gly3512del; deletes glycine 3512.
Molecular consequence: inframe deletion.
Genome position (GRCh38, 1-based): chr16:72,787,741-72,787,743, CCA deleted on the plus strand (TGG on the coding strand, the reverse complement: ZFHX3 is on the minus strand); deleting any 3 consecutive bases within chr16:72,787,741-72,787,745 gives the same sequence; the c. name uses the placement nearest the transcript's 3' end. VCF-style (leftmost placement, unchanged base first): chr16-72787740-GCCA-G. GRCh37 (hg19) VCF-style: chr16-72821639-GCCA-G.
Other names: c.7791_7793del, p.Gly2598del (NM_001164766.2); c.10533_10535del, p.Gly3512del (NM_001386735.1); c.10533_10535delTGG (NM_006885.3); short protein forms G2598del, G3512del.
Identifiers: ClinVar variation 2646814 (VCV002646814.25), dbSNP rs541875856, ClinGen allele CA8162459.